The following is an entry in ClinVar:

NM_033310.3(KCNK4):c.1150G>A (p.Gly384Arg)

Genes: KCNK4 (potassium two pore domain channel subfamily K member 4; plus strand), KCNK4-CATSPERZ (KCNK4-CATSPERZ readthrough (NMD candidate); plus strand). Cytogenetic location: 11q13.1.
Variant type: single nucleotide variant.
Coding change: c.1150G>A on transcript NM_033310.3 (MANE Select); coding-DNA position 1150, G replaced by A.
Protein change: p.Gly384Arg; replaces glycine 384 with arginine.
Molecular consequence: missense variant. On other transcripts: non-coding transcript variant (3).
Genome position (GRCh38, 1-based): chr11:64,299,694, G>A. VCF-style: chr11-64299694-G-A. GRCh37 (hg19) VCF-style: chr11-64067166-G-A.
Other names: c.1150G>A, p.Gly384Arg (NM_001317090.2); short protein forms G384R.
Identifiers: ClinVar variation 1635353 (VCV001635353.25), dbSNP rs572055265, ClinGen allele CA6073261.

ClinVar aggregate classification (germline): Benign/Likely benign. Review status: criteria provided, multiple submitters, no conflicts (2 of 4 stars). 2 submissions from 2 submitters: Benign (1); Likely benign (1). Last evaluated 2025-12-15.

Allele frequency attached by ClinVar (database versions not stated): 1000 Genomes Project 30x 0.00078; 1000 Genomes Project 0.00100.

Submissions (2):

Labcorp Genetics (formerly Invitae), Labcorp
Classification: Benign. Last evaluated: 2025-12-15. Review status: criteria provided, single submitter. Criteria: Invitae Variant Classification Sherloc (09022015). Collection method: clinical testing. Allele origin: germline.

CeGaT Center for Human Genetics Tuebingen
Classification: Likely benign. Last evaluated: 2024-07-01. Review status: criteria provided, single submitter. Criteria: CeGaT Center For Human Genetics Tuebingen Variant Classification Criteria Version 2. Collection method: clinical testing. Allele origin: germline. Affected: yes. Observed: 1 variant allele.
Comment: KCNK4: BS1